The following is an entry in ClinVar:

NC_000005.10:g.112707420C>G

Gene: APC (APC regulator of Wnt signaling pathway; plus strand). Cytogenetic location: 5q22.2.
Variant type: single nucleotide variant.
Genome position: GRCh38 VCF-style: chr5-112707420-C-G. GRCh37 (hg19) VCF-style: chr5-112043117-C-G.
Identifiers: ClinVar variation 639419 (VCV000639419.9), dbSNP rs1427438975, ClinGen allele CA802056903.
Genomic context (GRCh38, chr5:112,707,420, plus strand): 5'-GCTGCCTAGGCAGCAATGGCTCACGGGACAGAACAGCGAAGCAGTGCCCGGCAAGCGGAG[C>G]GCAGCACCCATTGCGCCTGCGCATAACAGGCTCTAGTCTCCGGGCTGTGGGAAGCCAGCA-3'

ClinVar aggregate classification (germline): Uncertain significance (1 of 4 stars; one submission).

Conditions:
Familial adenomatous polyposis 1 (FAP1). Also called: FAMILIAL ADENOMATOUS POLYPOSIS 1, ATTENUATED; POLYPOSIS, ADENOMATOUS INTESTINAL. Identifiers: MedGen C2713442, MONDO:0021056, OMIM 175100. Disease mechanism: loss of function.

Allele frequency attached by ClinVar (database versions not stated): gnomAD 0.00001; TOPMed 0.00001.

Submission:

Labcorp Genetics (formerly Invitae), Labcorp
Classification: Uncertain significance for Familial adenomatous polyposis 1. Last evaluated: 2025-11-23. Review status: criteria provided, single submitter. Criteria: Invitae Variant Classification Sherloc (09022015). Collection method: clinical testing. Allele origin: germline.
Comment: This variant occurs in a non-coding region of the APC gene. It does not change the encoded amino acid sequence of the APC protein. This variant is not present in population databases (gnomAD no frequency). This variant has not been reported in the literature in individuals affected with APC-related conditions. ClinVar contains an entry for this variant (Variation ID: 639419). Experimental studies and prediction algorithms are not available or were not evaluated, and the functional significance of this variant is currently unknown. In summary, the available evidence is currently insufficient to determine the role of this variant in disease. Therefore, it has been classified as a Variant of Uncertain Significance.